The following is an entry in ClinVar:

ClinVar aggregate classification (germline): Pathogenic (1 of 4 stars; one submission).

Conditions:
Intellectual developmental disorder, autosomal dominant 1. Also called: Intellectual disability, autosomal dominant 1; MBD5 Haploinsufficiency. Identifiers: Orphanet 228402, MedGen C1969562, MONDO:0007974, OMIM 156200.

Submission:

Labcorp Genetics (formerly Invitae), Labcorp
Classification: Pathogenic for Intellectual developmental disorder, autosomal dominant 1. Last evaluated: 2021-07-05. Review status: criteria provided, single submitter. Criteria: Invitae Variant Classification Sherloc (09022015). Collection method: clinical testing. Allele origin: germline.
Comment: This sequence change creates a premature translational stop signal (p.Ser1344Alafs*21) in the MBD5 gene. It is expected to result in an absent or disrupted protein product. Loss-of-function variants in MBD5 are known to be pathogenic (PMID: 23422940, 23587880). This variant is not present in population databases (ExAC no frequency). This variant has not been reported in the literature in individuals affected with MBD5-related conditions. For these reasons, this variant has been classified as Pathogenic.

Literature cited by the submitters: PubMed 23422940; PubMed 23587880.

NM_001378120.1(MBD5):c.4729del (p.Ser1577fs)

Gene: MBD5 (methyl-CpG binding domain protein 5; plus strand). Cytogenetic location: 2q23.1.
Variant type: Deletion.
Coding change: c.4729del on transcript NM_001378120.1 (MANE Select); coding-DNA position 4729, one base deleted (A; older notation c.4729delA).
Protein change: p.Ser1577fs; shifts the reading frame from serine 1577.
Molecular consequence: frameshift variant.
Genome position (GRCh38, 1-based): chr2:148,490,361, A deleted; the last of 4 consecutive A bases (chr2:148,490,358-148,490,361); deleting any one gives the same sequence. VCF-style (leftmost placement, unchanged base first): chr2-148490357-CA-C. GRCh37 (hg19) VCF-style: chr2-149247926-CA-C.
Other names: c.4030del, p.Ser1344fs (NM_018328.5); short protein forms S1577fs, S1344fs.
Identifiers: ClinVar variation 1451143 (VCV001451143.6), dbSNP rs2105131625, ClinGen allele CA2573133305.